The following is an entry in ClinVar:

NM_004565.3(PEX14):c.382A>G (p.Lys128Glu)

Gene: PEX14 (peroxisomal biogenesis factor 14; plus strand). Cytogenetic location: 1p36.22.
Variant type: single nucleotide variant.
Coding change: c.382A>G on transcript NM_004565.3 (MANE Select); coding-DNA position 382, A replaced by G.
Protein change: p.Lys128Glu; replaces lysine 128 with glutamic acid.
Molecular consequence: missense variant.
Genome position (GRCh38, 1-based): chr1:10,618,415, A>G. VCF-style: chr1-10618415-A-G. GRCh37 (hg19) VCF-style: chr1-10678472-A-G.
Other names: short protein forms K128E.
Identifiers: ClinVar variation 933339 (VCV000933339.7), dbSNP rs756676436, ClinGen allele CA583813.

ClinVar aggregate classification (germline): Uncertain significance (1 of 4 stars; one submission).

Conditions:
Peroxisome biogenesis disorder, complementation group K (CGK). Identifiers: MedGen C1866257, MONDO:0800365.

Allele frequency attached by ClinVar (database versions not stated): gnomAD exomes 0.00001; TOPMed below 0.00001; ExAC 0.00002.
gnomAD v4.1: 9 of 1,610,998 alleles (0.00056%); highest among the groups gnomAD compares: Admixed American, 0.0083%; no homozygotes.

Submission:

Labcorp Genetics (formerly Invitae), Labcorp
Classification: Uncertain significance for Peroxisome biogenesis disorder, complementation group K. Last evaluated: 2022-04-25. Review status: criteria provided, single submitter. Criteria: Invitae Variant Classification Sherloc (09022015). Collection method: clinical testing. Allele origin: germline.
Comment: This sequence change replaces lysine, which is basic and polar, with glutamic acid, which is acidic and polar, at codon 128 of the PEX14 protein (p.Lys128Glu). This variant is present in population databases (rs756676436, gnomAD 0.003%). This variant has not been reported in the literature in individuals affected with PEX14-related conditions. ClinVar contains an entry for this variant (Variation ID: 933339). Algorithms developed to predict the effect of missense changes on protein structure and function are either unavailable or do not agree on the potential impact of this missense change (SIFT: "Deleterious"; PolyPhen-2: "Probably Damaging"; Align-GVGD: "Class C0"). In summary, the available evidence is currently insufficient to determine the role of this variant in disease. Therefore, it has been classified as a Variant of Uncertain Significance.